The following is an entry in ClinVar:

NM_015122.3(FCHO1):c.765T>G (p.Ser255Arg)

Gene: FCHO1 (FCH and mu domain containing endocytic adaptor 1; plus strand). Cytogenetic location: 19p13.11.
Variant type: single nucleotide variant.
Coding change: c.765T>G on transcript NM_015122.3 (MANE Select); coding-DNA position 765, T replaced by G.
Protein change: p.Ser255Arg; replaces serine 255 with arginine.
Molecular consequence: missense variant. On other transcripts: non-coding transcript variant (34).
Genome position (GRCh38, 1-based): chr19:17,772,716, T>G. VCF-style: chr19-17772716-T-G. GRCh37 (hg19) VCF-style: chr19-17883525-T-G.
Other names: c.765T>G, p.Ser255Arg (NM_001161357.2, NM_001161358.2, NM_001384370.1 and 26 more transcripts); c.615T>G, p.Ser205Arg (NM_001161359.2, NM_001384384.1, NM_001384385.1 and 3 more transcripts); c.726T>G, p.Ser242Arg (NM_001384388.1, NM_001384389.1, NM_001384405.1); c.690T>G, p.Ser230Arg (NM_001384390.1); short protein forms S255R, S230R, S242R, S205R.
Identifiers: ClinVar variation 1450589 (VCV001450589.8), dbSNP rs1599690452, ClinGen allele CA404750236.

ClinVar aggregate classification (germline): Uncertain significance (1 of 4 stars; one submission).

Submission:

Labcorp Genetics (formerly Invitae), Labcorp
Classification: Uncertain significance. Last evaluated: 2021-04-06. Review status: criteria provided, single submitter. Criteria: Invitae Variant Classification Sherloc (09022015). Collection method: clinical testing. Allele origin: germline.
Comment: This sequence change replaces serine with arginine at codon 255 of the FCHO1 protein (p.Ser255Arg). The serine residue is moderately conserved and there is a moderate physicochemical difference between serine and arginine. This variant is not present in population databases (ExAC no frequency). This variant has not been reported in the literature in individuals with FCHO1-related conditions. Algorithms developed to predict the effect of missense changes on protein structure and function are either unavailable or do not agree on the potential impact of this missense change (SIFT: "Tolerated"; PolyPhen-2: "Possibly Damaging"; Align-GVGD: "Class C0"). In summary, the available evidence is currently insufficient to determine the role of this variant in disease. Therefore, it has been classified as a Variant of Uncertain Significance.